The following is an entry in ClinVar:

NM_000439.5(PCSK1):c.174G>C (p.Leu58Phe)

Genes: CAST (calpastatin; plus strand), PCSK1 (proprotein convertase subtilisin/kexin type 1; minus strand), LOC101929710 (uncharacterized LOC101929710; plus strand). Cytogenetic location: 5q15.
Variant type: single nucleotide variant.
Coding change: c.174G>C on transcript NM_000439.5 (MANE Select); coding-DNA position 174, G replaced by C.
Protein change: p.Leu58Phe; replaces leucine 58 with phenylalanine.
Molecular consequence: missense variant. On other transcripts: intron variant (11).
Genome position (GRCh38, 1-based): chr5:96,432,869, C>G on the plus strand (G>C on the coding strand, the complement: PCSK1 is on the minus strand). VCF-style: chr5-96432869-C-G. GRCh37 (hg19) VCF-style: chr5-95768573-C-G.
Other names: c.-175+53217C>G (NM_001423254.1, NM_001423259.1, NM_001423255.1 and 6 more transcripts); c.-103+53217C>G (NM_001423253.1); c.-40+53217C>G (NM_001423258.1); short protein forms L58F.
Identifiers: ClinVar variation 4996688 (VCV004996688.1).
Genomic context (GRCh38, chr5:96,432,869, plus strand): 5'-GTCCCGCCAGTCCCCTGGGGCCCCAGAAAGTTTCTTGAAAGTGGAAACTCTTACCTGACC[C>G]AAAAGGTCATAGCCCAGCTCCTCGGCGATGGCCGAGGCTGCTTCCGGGCCCCCGGGGATC-3'
Protein context (NP_000430.3, residues 48-68): AIAEELGYDL[Leu58Phe]GQIGSLENHY

ClinVar aggregate classification (germline): Uncertain significance (1 of 4 stars; one submission).

Conditions:
PCSK1-related disorder. Also called: PCSK1-related condition.

Submission:

PreventionGenetics, part of Exact Sciences
Classification: Uncertain significance for PCSK1-related condition. Last evaluated: 2026-01-22. Review status: criteria provided, single submitter. Criteria: ACMG Guidelines, 2015. Collection method: clinical testing. Allele origin: germline.
Comment: The PCSK1 c.174G>C variant is predicted to result in the amino acid substitution p.Leu58Phe. To our knowledge, this variant has not been reported in the literature or in a large population database (gnomAD), indicating this variant is rare. At this time, the clinical significance of this variant is uncertain due to the absence of conclusive functional and genetic evidence.